The following is an entry in ClinVar:

NM_001164508.2(NEB):c.23354A>C (p.Tyr7785Ser)

Genes: NEB (nebulin; minus strand), RIF1 (replication timing regulatory factor 1; plus strand). Cytogenetic location: 2q23.3.
Variant type: single nucleotide variant.
Coding change: c.23354A>C on transcript NM_001164508.2 (MANE Select); coding-DNA position 23354, A replaced by C.
Protein change: p.Tyr7785Ser; replaces tyrosine 7785 with serine.
Molecular consequence: missense variant.
Genome position (GRCh38, 1-based): chr2:151,508,102, T>G on the plus strand (A>C on the coding strand, the complement: NEB is on the minus strand). VCF-style: chr2-151508102-T-G. GRCh37 (hg19) VCF-style: chr2-152364616-T-G.
Other names: c.23354A>C, p.Tyr7785Ser (NM_001164507.2); c.23459A>C, p.Tyr7820Ser (NM_001271208.2); c.18251A>C, p.Tyr6084Ser (NM_004543.5); short protein forms Y7820S, Y6084S, Y7785S.
Identifiers: ClinVar variation 4703056 (VCV004703056.1).

ClinVar aggregate classification (germline): Uncertain significance (1 of 4 stars; one submission).

Conditions:
Nemaline myopathy 2 (NEM2). Also called: Nemaline myopathy 2, autosomal recessive. Identifiers: MedGen C1850569, MONDO:0009725, OMIM 256030.

Submission:

Labcorp Genetics (formerly Invitae), Labcorp
Classification: Uncertain significance for Nemaline myopathy 2. Last evaluated: 2025-03-22. Review status: criteria provided, single submitter. Criteria: Invitae Variant Classification Sherloc (09022015). Collection method: clinical testing. Allele origin: germline.
Comment: This sequence change replaces tyrosine, which is neutral and polar, with serine, which is neutral and polar, at codon 7820 of the NEB protein (p.Tyr7820Ser). This variant is not present in population databases (gnomAD no frequency). This variant has not been reported in the literature in individuals affected with NEB-related conditions. Experimental studies and prediction algorithms are not available or were not evaluated, and the functional significance of this variant is currently unknown. In summary, the available evidence is currently insufficient to determine the role of this variant in disease. Therefore, it has been classified as a Variant of Uncertain Significance.